The following is an entry in ClinVar:

NM_001271.4(CHD2):c.3335A>G (p.Lys1112Arg)

Gene: CHD2 (chromodomain helicase DNA binding protein 2; plus strand). Cytogenetic location: 15q26.1.
Variant type: single nucleotide variant.
Coding change: c.3335A>G on transcript NM_001271.4 (MANE Select); coding-DNA position 3335, A replaced by G.
Protein change: p.Lys1112Arg; replaces lysine 1112 with arginine.
Molecular consequence: missense variant.
Genome position (GRCh38, 1-based): chr15:92,985,595, A>G. VCF-style: chr15-92985595-A-G. GRCh37 (hg19) VCF-style: chr15-93528825-A-G.
Other names: short protein forms K1112R.
Identifiers: ClinVar variation 3370836 (VCV003370836.1).
Genomic context (GRCh38, chr15:92,985,595, plus strand): 5'-AGAGGCAGGCCCAGAGATCCTCTGCTTCTGAGAGTGAAACGGAAGACTCTGATGATGACA[A>G]GAAGCCAAAGCGCAGAGGGCGTCCGAGGAGTGTGCGGAAGGACCTCGTGGAGGGATTTAC-3'
Protein context (NP_001262.3, residues 1102-1122): ESETEDSDDD[Lys1112Arg]KPKRRGRPRS

ClinVar aggregate classification (germline): Uncertain significance (1 of 4 stars; one submission).

Submission:

GeneDx
Classification: Uncertain significance. Last evaluated: 2024-03-10. Review status: criteria provided, single submitter. Criteria: GeneDx Variant Classification Process June 2021. Collection method: clinical testing. Allele origin: germline. Affected: yes.
Comment: Not observed at significant frequency in large population cohorts (gnomAD); In silico analysis supports that this missense variant does not alter protein structure/function; Has not been previously published as pathogenic or benign to our knowledge